The following is an entry in ClinVar:

NM_014208.3(DSPP):c.3228C>T (p.Ser1076=)

Genes: DMP1-AS1 (DMP1 and DSPP antisense RNA 1; minus strand), DSPP (dentin sialophosphoprotein; plus strand). Cytogenetic location: 4q22.1.
Variant type: single nucleotide variant.
Coding change: c.3228C>T on transcript NM_014208.3 (MANE Select); coding-DNA position 3228, C replaced by T.
Protein change: p.Ser1076=; no amino-acid change (serine 1076 retained).
Molecular consequence: synonymous variant.
Genome position (GRCh38, 1-based): chr4:87,615,890, C>T. VCF-style: chr4-87615890-C-T. GRCh37 (hg19) VCF-style: chr4-88537042-C-T.
Identifiers: ClinVar variation 3387850 (VCV003387850.14).
Genomic context (GRCh38, chr4:87,615,890, plus strand): 5'-TAGCAGTGACAGCAGTGACAGCAGCGACAGCAGTGATAGCAGTGACAGCAGTGACAGCAG[C>T]GACAGCAGTGATAGCAGTGAAAGCAGTGATAGCAGTGACAGCAGCAATAGCAGTGACAGC-3'
Protein context (NP_055023.2, residues 1066-1086): SSDSSDSSDS[Ser1076=]DSSDSSESSD

ClinVar aggregate classification (germline): Likely benign (1 of 4 stars; one submission).

gnomAD v4.1: 125 of 1,510,502 alleles (0.0083%); highest among the groups gnomAD compares: African/African-American, 0.066%; 2 homozygotes.

Submission:

CeGaT Center for Human Genetics Tuebingen
Classification: Likely benign. Last evaluated: 2026-04-01. Review status: criteria provided, single submitter. Criteria: CeGaT Center For Human Genetics Tuebingen Variant Classification Criteria Version 2. Collection method: clinical testing. Allele origin: germline. Affected: yes. Observed: 2 variant alleles.
Comment: DSPP: BP4, BP7